The following is an entry in ClinVar:

NM_004656.4(BAP1):c.1594T>C (p.Phe532Leu)

Gene: BAP1 (BRCA1 associated deubiquitinase 1; minus strand). Cytogenetic location: 3p21.1.
Variant type: single nucleotide variant.
Coding change: c.1594T>C on transcript NM_004656.4 (MANE Select); coding-DNA position 1594, T replaced by C.
Protein change: p.Phe532Leu; replaces phenylalanine 532 with leucine.
Molecular consequence: missense variant.
Genome position (GRCh38, 1-based): chr3:52,403,551, A>G on the plus strand (T>C on the coding strand, the complement: BAP1 is on the minus strand). VCF-style: chr3-52403551-A-G. GRCh37 (hg19) VCF-style: chr3-52437567-A-G.
Other names: c.1594T>C (NM_004656.2); short protein forms F532L.
Identifiers: ClinVar variation 1058028 (VCV001058028.6), dbSNP rs2153226650, ClinGen allele CA353100513.

ClinVar aggregate classification (germline): Uncertain significance. Review status: criteria provided, multiple submitters, no conflicts (2 of 4 stars). 2 submissions from 2 submitters: Uncertain significance (2). Last evaluated 2023-09-21.

Conditions:
Hereditary cancer-predisposing syndrome. Also called: Neoplastic Syndromes, Hereditary; Hereditary Cancer Syndrome; Hereditary neoplastic syndrome; Tumor predisposition. Identifiers: Orphanet 140162, MedGen C0027672, MeSH D009386, MONDO:0015356.
BAP1-related tumor predisposition syndrome (TPDS1). Also called: TUMOR PREDISPOSITION SYNDROME 1; BAP1 tumor predisposition syndrome; COMMON Syndrome; Tumor susceptibility linked to germline BAP1 mutations. Identifiers: Orphanet 289539, MedGen C3280492, MONDO:0013692, OMIM 614327.

Submissions (2):

Ambry Genetics
Classification: Uncertain significance for Hereditary cancer-predisposing syndrome. Last evaluated: 2023-09-21. Review status: criteria provided, single submitter. Criteria: Ambry Variant Classification Scheme 2023. Collection method: clinical testing. Allele origin: germline.
Comment: The p.F532L variant (also known as c.1594T>C), located in coding exon 13 of the BAP1 gene, results from a T to C substitution at nucleotide position 1594. The phenylalanine at codon 532 is replaced by leucine, an amino acid with highly similar properties. This amino acid position is conserved. In addition, this alteration is predicted to be tolerated by in silico analysis. Since supporting evidence is limited at this time, the clinical significance of this alteration remains unclear.

Labcorp Genetics (formerly Invitae), Labcorp
Classification: Uncertain significance for BAP1-related tumor predisposition syndrome. Last evaluated: 2020-03-03. Review status: criteria provided, single submitter. Criteria: Invitae Variant Classification Sherloc (09022015). Collection method: clinical testing. Allele origin: germline.
Comment: In summary, the available evidence is currently insufficient to determine the role of this variant in disease. Therefore, it has been classified as a Variant of Uncertain Significance. Algorithms developed to predict the effect of missense changes on protein structure and function are either unavailable or do not agree on the potential impact of this missense change (SIFT: "Deleterious"; PolyPhen-2: "Benign"; Align-GVGD: "Class C0"). This variant has not been reported in the literature in individuals with BAP1-related conditions. This variant is not present in population databases (ExAC no frequency). This sequence change replaces phenylalanine with leucine at codon 532 of the BAP1 protein (p.Phe532Leu). The phenylalanine residue is highly conserved and there is a small physicochemical difference between phenylalanine and leucine.